The following is an entry in ClinVar:

NM_152424.4(AMER1):c.434C>T (p.Thr145Ile)

Gene: AMER1 (APC membrane recruitment protein 1; minus strand). Cytogenetic location: Xq11.2.
Variant type: single nucleotide variant.
Coding change: c.434C>T on transcript NM_152424.4 (MANE Select); coding-DNA position 434, C replaced by T.
Protein change: p.Thr145Ile; replaces threonine 145 with isoleucine.
Molecular consequence: missense variant.
Genome position (GRCh38, 1-based): chrX:64,192,853, G>A on the plus strand (C>T on the coding strand, the complement: AMER1 is on the minus strand). VCF-style: chrX-64192853-G-A. GRCh37 (hg19) VCF-style: chrX-63412733-G-A.
Other names: short protein forms T145I.
Identifiers: ClinVar variation 3338912 (VCV003338912.5).

ClinVar aggregate classification (germline): Uncertain significance. Review status: criteria provided, multiple submitters, no conflicts (2 of 4 stars). 2 submissions from 2 submitters: Uncertain significance (2). Last evaluated 2025-12-09.

Submissions (2):

Women's Health and Genetics/Laboratory Corporation of America, LabCorp
Classification: Uncertain significance. Last evaluated: 2025-12-09. Review status: criteria provided, single submitter. Criteria: LabCorp Variant Classification Summary - May 2015. Collection method: clinical testing. Allele origin: germline.
Comment: Variant summary: AMER1 c.434C>T (p.Thr145Ile) results in a non-conservative amino acid change in the encoded protein sequence. Algorithms developed to predict the effect of missense changes on protein structure and function are either unavailable or do not agree on the potential impact of this missense change. The variant was absent in 183382 control chromosomes. The available data on variant occurrences in the general population are insufficient to allow any conclusion about variant significance. To our knowledge, no occurrence of c.434C>T in individuals affected with AMER1-related conditions and no experimental evidence demonstrating its impact on protein function have been reported. ClinVar contains an entry for this variant (Variation ID: 3338912). Based on the evidence outlined above, the variant was classified as uncertain significance.

Labcorp Genetics (formerly Invitae), Labcorp
Classification: Uncertain significance. Last evaluated: 2025-03-04. Review status: criteria provided, single submitter. Criteria: Invitae Variant Classification Sherloc (09022015). Collection method: clinical testing. Allele origin: germline.
Comment: This sequence change replaces threonine, which is neutral and polar, with isoleucine, which is neutral and non-polar, at codon 145 of the AMER1 protein (p.Thr145Ile). This variant is not present in population databases (gnomAD no frequency). This variant has not been reported in the literature in individuals affected with AMER1-related conditions. ClinVar contains an entry for this variant (Variation ID: 3338912). An algorithm developed to predict the effect of missense changes on protein structure and function outputs the following: PolyPhen-2: "Benign". The isoleucine amino acid residue is found in multiple mammalian species, which suggests that this missense change does not adversely affect protein function. In summary, the available evidence is currently insufficient to determine the role of this variant in disease. Therefore, it has been classified as a Variant of Uncertain Significance.